The following is an entry in ClinVar:

ClinVar aggregate classification (germline): Uncertain significance (1 of 4 stars; one submission).

Conditions:
CEP290-related disorder. Also called: CEP290-related condition; CEP290-related disorders. Identifiers: MedGen CN239314.

gnomAD v4.1: 1 of 1,603,940 alleles (0.000062%); highest among the groups gnomAD compares: Non-Finnish European, 0.000085%; no homozygotes.

Submission:

PreventionGenetics, part of Exact Sciences
Classification: Uncertain significance for CEP290-related condition. Last evaluated: 2025-03-05. Review status: criteria provided, single submitter. Criteria: ACMG Guidelines, 2015. Collection method: clinical testing. Allele origin: germline.
Comment: The CEP290 c.5305C>G variant is predicted to result in the amino acid substitution p.Gln1769Glu. To our knowledge, this variant has not been reported in the literature or in a large population database (gnomAD), indicating this variant is rare. At this time, the clinical significance of this variant is uncertain due to the absence of conclusive functional and genetic evidence.

NM_025114.4(CEP290):c.5305C>G (p.Gln1769Glu)

Gene: CEP290 (centrosomal protein 290; minus strand). Cytogenetic location: 12q21.32.
Variant type: single nucleotide variant.
Coding change: c.5305C>G on transcript NM_025114.4 (MANE Select); coding-DNA position 5305, C replaced by G.
Protein change: p.Gln1769Glu; replaces glutamine 1769 with glutamic acid.
Molecular consequence: missense variant.
Genome position (GRCh38, 1-based): chr12:88,079,151, G>C on the plus strand (C>G on the coding strand, the complement: CEP290 is on the minus strand). VCF-style: chr12-88079151-G-C. GRCh37 (hg19) VCF-style: chr12-88472928-G-C.
Other names: short protein forms Q1769E.
Identifiers: ClinVar variation 4997054 (VCV004997054.1).